The following is an entry in ClinVar:

NM_199420.4(POLQ):c.4484G>A (p.Ser1495Asn)

Gene: POLQ (DNA polymerase theta; minus strand). Cytogenetic location: 3q13.33.
Variant type: single nucleotide variant.
Coding change: c.4484G>A on transcript NM_199420.4 (MANE Select); coding-DNA position 4484, G replaced by A.
Protein change: p.Ser1495Asn; replaces serine 1495 with asparagine.
Molecular consequence: missense variant.
Genome position (GRCh38, 1-based): chr3:121,488,447, C>T on the plus strand (G>A on the coding strand, the complement: POLQ is on the minus strand). VCF-style: chr3-121488447-C-T. GRCh37 (hg19) VCF-style: chr3-121207294-C-T.
Other names: short protein forms S1495N.
Identifiers: ClinVar variation 1740924 (VCV001740924.2), dbSNP rs749571039, ClinGen allele CA2562890.
Genomic context (GRCh38, chr3:121,488,447, plus strand): 5'-GAAGGAAGGGGTTCTTTCATTTGCATATCAGGTAATTGTTCTTTTACTAGATAGTCATCA[C>T]TGAAGCTATCAAATAGTAAACTATCACTCATATTCAAACTTGTTTCAGGAACTGGAAGAC-3'
Protein context (NP_955452.3, residues 1485-1505): MSDSLLFDSF[Ser1495Asn]DDYLVKEQLP

ClinVar aggregate classification (germline): Uncertain significance (1 of 4 stars; one submission).

Allele frequency attached by ClinVar (database versions not stated): ExAC 0.00001; gnomAD 0.00001; TOPMed 0.00002.
gnomAD v4.1: 11 of 1,610,278 alleles (0.00068%); highest among the groups gnomAD compares: Admixed American, 0.01%; no homozygotes.

Submission:

Ambry Genetics
Classification: Uncertain significance. Last evaluated: 2024-01-25. Review status: criteria provided, single submitter. Criteria: Ambry Variant Classification Scheme 2023. Collection method: clinical testing. Allele origin: germline.
Comment: The p.S1495N variant (also known as c.4484G>A), located in coding exon 16 of the POLQ gene, results from a G to A substitution at nucleotide position 4484. The serine at codon 1495 is replaced by asparagine, an amino acid with highly similar properties. This amino acid position is conserved. In addition, this alteration is predicted to be tolerated by in silico analysis. Since supporting evidence is limited at this time, the clinical significance of this alteration remains unclear.